The following is an entry in ClinVar:

ClinVar aggregate classification (germline): Uncertain significance. Review status: criteria provided, multiple submitters, no conflicts (2 of 4 stars). 4 submissions from 4 submitters: Uncertain significance (4). Last evaluated 2025-08-02.

Conditions:
NR2E3-related disorder. Also called: NR2E3-related condition; NR2E3-related disorders. Identifiers: MedGen CN239387.
Inborn genetic diseases. Identifiers: MedGen C0950123, MeSH D030342.

Allele frequency attached by ClinVar (database versions not stated): gnomAD exomes 0.00002 and 0.00003; ExAC 0.00011; gnomAD 0.00015; TOPMed 0.00015.
gnomAD v4.1: 45 of 1,554,692 alleles (0.0029%); highest among the groups gnomAD compares: African/African-American, 0.057%; no homozygotes.

Submissions (4):

Labcorp Genetics (formerly Invitae), Labcorp
Classification: Uncertain significance. Last evaluated: 2025-08-02. Review status: criteria provided, single submitter. Criteria: Invitae Variant Classification Sherloc (09022015). Collection method: clinical testing. Allele origin: germline.
Comment: This sequence change replaces histidine, which is basic and polar, with tyrosine, which is neutral and polar, at codon 131 of the NR2E3 protein (p.His131Tyr). The frequency data for this variant in the population databases is considered unreliable, as metrics indicate poor data quality at this position in the gnomAD database. This missense change has been observed in individual(s) with clinical features of NR2E3-related conditions (internal data). ClinVar contains an entry for this variant (Variation ID: 842192). Invitae Evidence Modeling of protein sequence and biophysical properties (such as structural, functional, and spatial information, amino acid conservation, physicochemical variation, residue mobility, and thermodynamic stability) indicates that this missense variant is not expected to disrupt NR2E3 protein function with a negative predictive value of 80%. In summary, the available evidence is currently insufficient to determine the role of this variant in disease. Therefore, it has been classified as a Variant of Uncertain Significance.

PreventionGenetics, part of Exact Sciences
Classification: Uncertain significance for NR2E3-related condition. Last evaluated: 2025-04-30. Review status: criteria provided, single submitter. Criteria: ACMG Guidelines, 2015. Collection method: clinical testing. Allele origin: germline.
Comment: The NR2E3 c.391C>T variant is predicted to result in the amino acid substitution p.His131Tyr. To our knowledge, this variant has not been reported in the literature. This variant is present in 0.042% of alleles in individuals of African descent in gnomAD. At this time, the clinical significance of this variant is uncertain due to the absence of conclusive functional and genetic evidence.

Blueprint Genetics
Classification: Uncertain significance. Last evaluated: 2021-11-04. Review status: criteria provided, single submitter. Criteria: ACMG Guidelines, 2015. Collection method: clinical testing. Allele origin: germline.

Ambry Genetics
Classification: Uncertain significance for Inborn genetic diseases. Last evaluated: 2021-07-21. Review status: criteria provided, single submitter. Criteria: Ambry Variant Classification Scheme 2023. Collection method: clinical testing. Allele origin: germline.

NM_014249.4(NR2E3):c.391C>T (p.His131Tyr)

Gene: NR2E3 (nuclear receptor subfamily 2 group E member 3; plus strand). Cytogenetic location: 15q23.
Variant type: single nucleotide variant.
Coding change: c.391C>T on transcript NM_014249.4 (MANE Select); coding-DNA position 391, C replaced by T.
Protein change: p.His131Tyr; replaces histidine 131 with tyrosine.
Molecular consequence: missense variant.
Genome position (GRCh38, 1-based): chr15:71,811,996, C>T. VCF-style: chr15-71811996-C-T. GRCh37 (hg19) VCF-style: chr15-72104336-C-T.
Other names: c.391C>T, p.His131Tyr (NM_016346.4); c.391C>T (NM_014249.2); short protein forms H131Y.
Identifiers: ClinVar variation 842192 (VCV000842192.7), dbSNP rs751730121, ClinGen allele CA7640306.
Genomic context (GRCh38, chr15:71,811,996, plus strand): 5'-ACCCTTCCTGCCTCCCCAGCCGTGCAGAACGAGCGCCAGCCGCGAAGCACAGCCCAGGTC[C>T]ACCTGGACAGCATGGAGTCCAACACTGAGTCCCGGCCGGAGTCCCTGGTGGCTCCCCCGG-3'
Protein context (NP_055064.1, residues 121-141): ERQPRSTAQV[His131Tyr]LDSMESNTES